The following is an entry in ClinVar:

ClinVar aggregate classification (germline): Uncertain significance. Review status: criteria provided, multiple submitters, no conflicts (2 of 4 stars). 2 submissions from 2 submitters: Uncertain significance (2). Last evaluated 2025-06-18.

gnomAD v4.1: 66 of 1,594,902 alleles (0.0041%); highest among the groups gnomAD compares: Non-Finnish European, 0.0028%; no homozygotes.

Submissions (2):

Labcorp Genetics (formerly Invitae), Labcorp
Classification: Uncertain significance. Last evaluated: 2025-06-18. Review status: criteria provided, single submitter. Criteria: Invitae Variant Classification Sherloc (09022015). Collection method: clinical testing. Allele origin: germline.
Comment: This sequence change replaces serine, which is neutral and polar, with isoleucine, which is neutral and non-polar, at codon 878 of the ARHGEF1 protein (p.Ser878Ile). This variant is present in population databases (rs781830566, gnomAD 0.06%), and has an allele count higher than expected for a pathogenic variant. This variant has not been reported in the literature in individuals affected with ARHGEF1-related conditions. ClinVar contains an entry for this variant (Variation ID: 3612299). An algorithm developed to predict the effect of missense changes on protein structure and function (PolyPhen-2) suggests that this variant is likely to be tolerated. In summary, the available evidence is currently insufficient to determine the role of this variant in disease. Therefore, it has been classified as a Variant of Uncertain Significance.

Blueprint Genetics
Classification: Uncertain significance. Last evaluated: 2024-09-11. Review status: criteria provided, single submitter. Criteria: ACMG Guidelines, 2015. Collection method: clinical testing. Allele origin: germline.

NM_004706.4(ARHGEF1):c.2588G>T (p.Ser863Ile)

Gene: ARHGEF1 (Rho guanine nucleotide exchange factor 1; plus strand). Cytogenetic location: 19q13.2.
Variant type: single nucleotide variant.
Coding change: c.2588G>T on transcript NM_004706.4 (MANE Select); coding-DNA position 2588, G replaced by T.
Protein change: p.Ser863Ile; replaces serine 863 with isoleucine.
Molecular consequence: missense variant. On other transcripts: non-coding transcript variant (2), intron variant (4).
Genome position (GRCh38, 1-based): chr19:41,906,553, G>T. VCF-style: chr19-41906553-G-T. GRCh37 (hg19) VCF-style: chr19-42410705-G-T.
Other names: c.2756G>T, p.Ser919Ile (NM_001396000.1); c.2489G>T, p.Ser830Ile (NM_198977.2); c.2633G>T, p.Ser878Ile (NM_199002.2); c.2492-150G>T (NM_001396003.1, NM_001396006.1); c.2393-150G>T (NM_001396002.1, NM_001396004.1); short protein forms S830I, S863I, S878I, S919I.
Identifiers: ClinVar variation 3612299 (VCV003612299.3).